The following is an entry in ClinVar:

ClinVar aggregate classification (germline): Conflicting classifications of pathogenicity. Review status: criteria provided, conflicting classifications (1 of 4 stars). 4 submissions from 4 submitters: Uncertain significance (2); Likely benign (2). Last evaluated 2024-08-28.

Conditions:
46,XY sex reversal 7. Also called: 46,XY GONADAL DYSGENESIS, PARTIAL OR COMPLETE, DHH-RELATED; GONADAL DYSGENESIS, XY, MALE-LIMITED; 46,XY SEX REVERSAL, PARTIAL OR COMPLETE, DHH-RELATED; DHH-Related 46,XY complete gonadal dysgenesis. Identifiers: Orphanet 242, MedGen C1856273, MONDO:0009301, OMIM 233420.

Allele frequency attached by ClinVar (database versions not stated): gnomAD exomes 0.00024 and 0.00020; TOPMed 0.00027; ExAC 0.00030; ESP Exome Variant Server 0.00038; 1000 Genomes Project 0.00040; 1000 Genomes Project 30x 0.00047; gnomAD 0.00018.
gnomAD v4.1: 323 of 1,613,474 alleles (0.02%); highest among the groups gnomAD compares: Admixed American, 0.053%; 1 homozygote.

Submissions (4):

Labcorp Genetics (formerly Invitae), Labcorp
Classification: Likely benign for 46,XY sex reversal 7. Last evaluated: 2024-08-28. Review status: criteria provided, single submitter. Criteria: Invitae Variant Classification Sherloc (09022015). Collection method: clinical testing. Allele origin: germline.

CeGaT Center for Human Genetics Tuebingen
Classification: Likely benign. Last evaluated: 2022-05-01. Review status: criteria provided, single submitter. Criteria: CeGaT Center For Human Genetics Tuebingen Variant Classification Criteria Version 2. Collection method: clinical testing. Allele origin: germline. Affected: yes. Observed: 1 variant allele.
Comment: DHH: BP4, BP7

Genetic Services Laboratory, University of Chicago
Classification: Uncertain significance. Last evaluated: 2018-04-20. Review status: criteria provided, single submitter. Criteria: ACMG Guidelines, 2015. Collection method: clinical testing. Allele origin: germline. Affected: no.

Illumina Laboratory Services, Illumina
Classification: Uncertain significance for 46,XY gonadal dysgenesis, complete, dhh-related. Last evaluated: 2018-01-13. Review status: criteria provided, single submitter. Criteria: ICSL Variant Classification Criteria 13 December 2019. Collection method: clinical testing. Allele origin: germline.

NM_021044.4(DHH):c.234G>A (p.Val78=)

Genes: DHH (desert hedgehog signaling molecule; minus strand), DHH-AS1 (DHH antisense RNA 1; plus strand). Cytogenetic location: 12q13.12.
Variant type: single nucleotide variant.
Coding change: c.234G>A on transcript NM_021044.4 (MANE Select); coding-DNA position 234, G replaced by A.
Protein change: p.Val78=; no amino-acid change (valine 78 retained).
Molecular consequence: synonymous variant.
Genome position (GRCh38, 1-based): chr12:49,094,279, C>T on the plus strand (G>A on the coding strand, the complement: DHH is on the minus strand). VCF-style: chr12-49094279-C-T. GRCh37 (hg19) VCF-style: chr12-49488062-C-T.
Identifiers: ClinVar variation 309105 (VCV000309105.34), dbSNP rs370468314, ClinGen allele CA6549223.